The following is an entry in ClinVar:

NM_004655.4(AXIN2):c.2408A>G (p.Tyr803Cys)

Gene: AXIN2 (axin 2; minus strand). Cytogenetic location: 17q24.1.
Variant type: single nucleotide variant.
Coding change: c.2408A>G on transcript NM_004655.4 (MANE Select); coding-DNA position 2408, A replaced by G.
Protein change: p.Tyr803Cys; replaces tyrosine 803 with cysteine.
Molecular consequence: missense variant.
Genome position (GRCh38, 1-based): chr17:65,530,100, T>C on the plus strand (A>G on the coding strand, the complement: AXIN2 is on the minus strand). VCF-style: chr17-65530100-T-C. GRCh37 (hg19) VCF-style: chr17-63526218-T-C.
Other names: c.2213A>G, p.Tyr738Cys (NM_001363813.1); short protein forms Y738C, Y803C.
Identifiers: ClinVar variation 933276 (VCV000933276.10), dbSNP rs1280152084, ClinGen allele CA400674984.

ClinVar aggregate classification (germline): Uncertain significance. Review status: criteria provided, multiple submitters, no conflicts (2 of 4 stars). 2 submissions from 2 submitters: Uncertain significance (2). Last evaluated 2024-04-14.

Conditions:
Oligodontia-cancer predisposition syndrome. Also called: TOOTH AGENESIS-COLORECTAL CANCER SYNDROME. Identifiers: Orphanet 300576, MedGen C1837750, MONDO:0012075, OMIM 608615. Disease mechanism: loss of function.
Hereditary cancer-predisposing syndrome. Also called: Neoplastic Syndromes, Hereditary; Hereditary Cancer Syndrome; Hereditary neoplastic syndrome; Tumor predisposition. Identifiers: Orphanet 140162, MedGen C0027672, MeSH D009386, MONDO:0015356.

Allele frequency attached by ClinVar (database versions not stated): gnomAD exomes below 0.00001.
gnomAD v4.1: 1 of 1,614,158 alleles (0.000062%); no homozygotes.

Submissions (2):

Ambry Genetics
Classification: Uncertain significance for Hereditary cancer-predisposing syndrome. Last evaluated: 2024-04-14. Review status: criteria provided, single submitter. Criteria: Ambry Variant Classification Scheme 2023. Collection method: clinical testing. Allele origin: germline.
Comment: The p.Y803C variant (also known as c.2408A>G), located in coding exon 10 of the AXIN2 gene, results from an A to G substitution at nucleotide position 2408. The tyrosine at codon 803 is replaced by cysteine, an amino acid with highly dissimilar properties. This amino acid position is highly conserved in available vertebrate species. In addition, this alteration is predicted to be deleterious by in silico analysis. Since supporting evidence is limited at this time, the clinical significance of this alteration remains unclear.

Labcorp Genetics (formerly Invitae), Labcorp
Classification: Uncertain significance for Oligodontia-cancer predisposition syndrome. Last evaluated: 2022-04-22. Review status: criteria provided, single submitter. Criteria: Invitae Variant Classification Sherloc (09022015). Collection method: clinical testing. Allele origin: germline.
Comment: This sequence change replaces tyrosine, which is neutral and polar, with cysteine, which is neutral and slightly polar, at codon 803 of the AXIN2 protein (p.Tyr803Cys). This variant is present in population databases (no rsID available, gnomAD 0.0009%). This variant has not been reported in the literature in individuals affected with AXIN2-related conditions. ClinVar contains an entry for this variant (Variation ID: 933276). Algorithms developed to predict the effect of missense changes on protein structure and function (SIFT, PolyPhen-2, Align-GVGD) all suggest that this variant is likely to be disruptive. In summary, the available evidence is currently insufficient to determine the role of this variant in disease. Therefore, it has been classified as a Variant of Uncertain Significance.